The following is an entry in ClinVar:

NM_000321.3(RB1):c.731_732delinsATC (p.Ile244fs)

Gene: RB1 (RB transcriptional corepressor 1; plus strand). Cytogenetic location: 13q14.2.
Variant type: Indel.
Coding change: c.731_732delinsATC on transcript NM_000321.3 (MANE Select); coding-DNA positions 731 to 732, TA replaced by ATC.
Protein change: p.Ile244fs; shifts the reading frame from isoleucine 244.
Molecular consequence: frameshift variant.
Genome position (GRCh38, 1-based): chr13:48,362,827-48,362,828, TA replaced by ATC. VCF-style: chr13-48362827-TA-ATC. GRCh37 (hg19) VCF-style: chr13-48936963-TA-ATC.
Other names: c.731_732delTAinsATC (NM_000321.2); short protein forms I244fs.
Identifiers: ClinVar variation 428713 (VCV000428713.3), dbSNP rs1131690890, ClinGen allele CA645369536.

ClinVar aggregate classification (germline): Pathogenic (1 of 4 stars; one submission).

Conditions:
Hereditary cancer-predisposing syndrome. Also called: Hereditary Cancer Syndrome; Neoplastic Syndromes, Hereditary; Hereditary neoplastic syndrome; Tumor predisposition. Identifiers: Orphanet 140162, MedGen C0027672, MeSH D009386, MONDO:0015356.

Submission:

Ambry Genetics
Classification: Pathogenic for Hereditary cancer-predisposing syndrome. Last evaluated: 2015-06-25. Review status: criteria provided, single submitter. Criteria: Ambry Autosomal Dominant and X-Linked criteria (10/2015). Collection method: clinical testing. Allele origin: germline. Observed: 1 variant allele.
Comment: The c.731_732delTAinsATC pathogenic mutation, located in coding exon 8 of the RB1 gene, results from the deletion of two nucleotides and insertion of 3 nucleotides causing a translational frameshift with a predicted alternate stop codon. Since frameshifts are typically deleterious in nature, this alteration is interpreted as a disease-causing mutation (ACMG Recommendations for Standards for Interpretation and Reporting of Sequence Variations. Revision 2007. Genet Med. 2008;10:294).